The following is an entry in ClinVar:

NM_144670.6(A2ML1):c.3017T>C (p.Leu1006Pro)

Gene: A2ML1 (alpha-2-macroglobulin like 1; plus strand). Cytogenetic location: 12p13.31.
Variant type: single nucleotide variant.
Coding change: c.3017T>C on transcript NM_144670.6 (MANE Select); coding-DNA position 3017, T replaced by C.
Protein change: p.Leu1006Pro; replaces leucine 1006 with proline.
Molecular consequence: missense variant.
Genome position (GRCh38, 1-based): chr12:8,857,332, T>C. VCF-style: chr12-8857332-T-C. GRCh37 (hg19) VCF-style: chr12-9009928-T-C.
Other names: c.1544T>C, p.Leu515Pro (NM_001282424.3); short protein forms L1006P, L515P.
Identifiers: ClinVar variation 1487186 (VCV001487186.11), dbSNP rs748078710, ClinGen allele CA6436219.

ClinVar aggregate classification (germline): Uncertain significance. Review status: criteria provided, multiple submitters, no conflicts (2 of 4 stars). 2 submissions from 2 submitters: Uncertain significance (2). Last evaluated 2024-11-10.

Allele frequency attached by ClinVar (database versions not stated): gnomAD exomes 0.00001 and 0.00004; TOPMed 0.00003; ExAC 0.00004; gnomAD 0.00004 and 0.00005.
gnomAD v4.1: 21 of 1,613,858 alleles (0.0013%); highest among the groups gnomAD compares: East Asian, 0.027%; no homozygotes.

Submissions (2):

Ambry Genetics
Classification: Uncertain significance. Last evaluated: 2024-11-10. Review status: criteria provided, single submitter. Criteria: Ambry Variant Classification Scheme 2023. Collection method: clinical testing. Allele origin: germline.
Comment: The p.L1006P variant (also known as c.3017T>C), located in coding exon 24 of the A2ML1 gene, results from a T to C substitution at nucleotide position 3017. The leucine at codon 1006 is replaced by proline, an amino acid with similar properties. This amino acid position is conserved. In addition, this alteration is predicted to be deleterious by in silico analysis. Since supporting evidence is limited at this time, the clinical significance of this alteration remains unclear.

Labcorp Genetics (formerly Invitae), Labcorp
Classification: Uncertain significance. Last evaluated: 2023-07-07. Review status: criteria provided, single submitter. Criteria: Invitae Variant Classification Sherloc (09022015). Collection method: clinical testing. Allele origin: germline.
Comment: This sequence change replaces leucine, which is neutral and non-polar, with proline, which is neutral and non-polar, at codon 1006 of the A2ML1 protein (p.Leu1006Pro). This variant is present in population databases (rs748078710, gnomAD 0.05%). This variant has not been reported in the literature in individuals affected with A2ML1-related conditions. ClinVar contains an entry for this variant (Variation ID: 1487186). An algorithm developed to predict the effect of missense changes on protein structure and function (PolyPhen-2) suggests that this variant is likely to be disruptive. In summary, the available evidence is currently insufficient to determine the role of this variant in disease. Therefore, it has been classified as a Variant of Uncertain Significance.